The following is an entry in ClinVar:

ClinVar aggregate classification (germline): Uncertain significance (1 of 4 stars; one submission).

Submission:

Labcorp Genetics (formerly Invitae), Labcorp
Classification: Uncertain significance. Last evaluated: 2024-10-12. Review status: criteria provided, single submitter. Criteria: Invitae Variant Classification Sherloc (09022015). Collection method: clinical testing. Allele origin: germline.
Comment: This sequence change replaces glutamic acid, which is acidic and polar, with lysine, which is basic and polar, at codon 98 of the AP2M1 protein (p.Glu98Lys). This variant is not present in population databases (gnomAD no frequency). This variant has not been reported in the literature in individuals affected with AP2M1-related conditions. An algorithm developed to predict the effect of missense changes on protein structure and function (PolyPhen-2) suggests that this variant is likely to be disruptive. In summary, the available evidence is currently insufficient to determine the role of this variant in disease. Therefore, it has been classified as a Variant of Uncertain Significance.

NM_004068.4(AP2M1):c.292G>A (p.Glu98Lys)

Gene: AP2M1 (adaptor related protein complex 2 subunit mu 1; plus strand). Cytogenetic location: 3q27.1.
Variant type: single nucleotide variant.
Coding change: c.292G>A on transcript NM_004068.4 (MANE Select); coding-DNA position 292, G replaced by A.
Protein change: p.Glu98Lys; replaces glutamic acid 98 with lysine.
Molecular consequence: missense variant.
Genome position (GRCh38, 1-based): chr3:184,179,074, G>A. VCF-style: chr3-184179074-G-A. GRCh37 (hg19) VCF-style: chr3-183896862-G-A.
Other names: c.292G>A, p.Glu98Lys (NM_001025205.2); c.367G>A, p.Glu123Lys (NM_001311198.2); short protein forms E98K, E123K.
Identifiers: ClinVar variation 3722759 (VCV003722759.2).